The following is an entry in ClinVar:

ClinVar aggregate classification (germline): Likely benign. Review status: criteria provided, single submitter (1 of 4 stars). 2 submissions from 2 submitters: Likely benign (1). 1 of the submissions does not count toward it. Last evaluated 2023-01-27.

Conditions:
SDHD-related disorder. Also called: SDHD-related condition.

Allele frequency attached by ClinVar (database versions not stated): TOPMed 0.00002; gnomAD 0.00006; gnomAD exomes 0.00008; 1000 Genomes Project 30x 0.00031; ExAC 0.00040.
gnomAD v4.1: 27 of 389,770 alleles (0.0069%); highest among the groups gnomAD compares: South Asian, 0.028%; no homozygotes.

Submissions (2):

Blueprint Genetics
Classification: Likely benign. Last evaluated: 2023-01-27. Review status: criteria provided, single submitter. Criteria: ACMG Guidelines, 2015. Collection method: clinical testing. Allele origin: germline.

PreventionGenetics, part of Exact Sciences
Classification: Likely benign for SDHD-related condition. Last evaluated: 2021-02-11. Review status: no assertion criteria provided. Collection method: clinical testing. Allele origin: germline. Not counted in ClinVar's aggregate classification.
Comment: This variant is classified as likely benign based on ACMG/AMP sequence variant interpretation guidelines (Richards et al. 2015 PMID: 25741868, with internal and published modifications).

NM_003002.4(SDHD):c.315-1653C>T

Gene: SDHD (succinate dehydrogenase complex subunit D; plus strand). Cytogenetic location: 11q23.1.
Variant type: single nucleotide variant.
Coding change: c.315-1653C>T on transcript NM_003002.4 (MANE Select); 1653 bases into the intron before coding-DNA position 315, C replaced by T.
Molecular consequence: intron variant. On other transcripts: synonymous variant (1).
Genome position (GRCh38, 1-based): chr11:112,093,152, C>T. VCF-style: chr11-112093152-C-T. GRCh37 (hg19) VCF-style: chr11-111963876-C-T.
Other names: c.387C>T, p.Ser129= (NM_001276506.2); c.170-1653C>T (NM_001276503.2); c.198-1653C>T (NM_001276504.2).
Identifiers: ClinVar variation 3031002 (VCV003031002.3), dbSNP rs751516982, ClinGen allele CA071116.
Genomic context (GRCh38, chr11:112,093,152, plus strand): 5'-TGGTGCGATCTTGGCTCGGCACGATCTCGGCTCAGCACGATCTCAGCTTACTGCAACCTC[C>T]GCCTTTCGGGTTCAAGCGATTCTCCTGCCTCAGCCTCCCAAGTAGCTGGCATTACAGGCA-3'